The following is an entry in ClinVar:

ClinVar aggregate classification (germline): Uncertain significance. Review status: criteria provided, multiple submitters, no conflicts (2 of 4 stars). 2 submissions from 2 submitters: Uncertain significance (2). Last evaluated 2024-07-08.

Conditions:
Hereditary cancer-predisposing syndrome. Also called: Tumor predisposition; Neoplastic Syndromes, Hereditary; Hereditary neoplastic syndrome; Hereditary Cancer Syndrome. Identifiers: Orphanet 140162, MedGen C0027672, MeSH D009386, MONDO:0015356.
Ataxia-telangiectasia syndrome (AT). Also called: Ataxia-telangiectasia, complementation group D; AT, COMPLEMENTATION GROUP C; ATAXIA-TELANGIECTASIA, COMPLEMENTATION GROUP A; ATAXIA-TELANGIECTASIA, FRESNO VARIANT; Ataxia-telangiectasia; Ataxia telangiectasia (A-T). Identifiers: Orphanet 100, MedGen C0004135, MONDO:0008840, OMIM 208900.

Submissions (2):

Ambry Genetics
Classification: Uncertain significance for Hereditary cancer-predisposing syndrome. Last evaluated: 2024-07-08. Review status: criteria provided, single submitter. Criteria: Ambry Variant Classification Scheme 2023. Collection method: clinical testing. Allele origin: germline.
Comment: The p.S2581R variant (also known as c.7743C>A), located in coding exon 51 of the ATM gene, results from a C to A substitution at nucleotide position 7743. The serine at codon 2581 is replaced by arginine, an amino acid with dissimilar properties. This variant was reported in an individual who met clinical criteria for hereditary breast and ovarian cancer syndrome (Chrysafi P et al. Cancers (Basel), 2023 Dec;15:). This amino acid position is not well conserved in available vertebrate species. In addition, this alteration is predicted to be tolerated by in silico analysis. Based on the available evidence, the clinical significance of this variant remains unclear.

Labcorp Genetics (formerly Invitae), Labcorp
Classification: Uncertain significance for Ataxia-telangiectasia syndrome. Last evaluated: 2022-08-27. Review status: criteria provided, single submitter. Criteria: Invitae Variant Classification Sherloc (09022015). Collection method: clinical testing. Allele origin: germline.
Comment: This sequence change replaces serine, which is neutral and polar, with arginine, which is basic and polar, at codon 2581 of the ATM protein (p.Ser2581Arg). This variant is not present in population databases (gnomAD no frequency). This variant has not been reported in the literature in individuals affected with ATM-related conditions. ClinVar contains an entry for this variant (Variation ID: 1000108). Algorithms developed to predict the effect of missense changes on protein structure and function (SIFT, PolyPhen-2, Align-GVGD) all suggest that this variant is likely to be tolerated. In summary, the available evidence is currently insufficient to determine the role of this variant in disease. Therefore, it has been classified as a Variant of Uncertain Significance.

Literature cited by the submitters: PubMed 38136308 (cited by Ambry Genetics).

NM_000051.4(ATM):c.7743C>A (p.Ser2581Arg)

Genes: ATM (ATM serine/threonine kinase; plus strand), C11orf65 (chromosome 11 open reading frame 65; minus strand). Cytogenetic location: 11q22.3.
Variant type: single nucleotide variant.
Coding change: c.7743C>A on transcript NM_000051.4 (MANE Select); coding-DNA position 7743, C replaced by A.
Protein change: p.Ser2581Arg; replaces serine 2581 with arginine.
Molecular consequence: missense variant. On other transcripts: intron variant (2).
Genome position (GRCh38, 1-based): chr11:108,331,992, C>A. VCF-style: chr11-108331992-C-A. GRCh37 (hg19) VCF-style: chr11-108202719-C-A.
Other names: c.*38+3228G>T (NM_001351110.2); c.7743C>A, p.Ser2581Arg (NM_001351834.2); c.641-22921G>T (NM_001330368.2); short protein forms S2581R.
Identifiers: ClinVar variation 1000108 (VCV001000108.10), dbSNP rs2086306575, ClinGen allele CA382561128.